The following is an entry in ClinVar:

ClinVar aggregate classification (germline): Uncertain significance (1 of 4 stars; one submission).

Conditions:
Hereditary cancer-predisposing syndrome. Also called: Hereditary Cancer Syndrome; Hereditary neoplastic syndrome; Neoplastic Syndromes, Hereditary; Tumor predisposition. Identifiers: Orphanet 140162, MedGen C0027672, MeSH D009386, MONDO:0015356.

Submission:

Ambry Genetics
Classification: Uncertain significance for Hereditary cancer-predisposing syndrome. Last evaluated: 2025-03-20. Review status: criteria provided, single submitter. Criteria: Ambry Variant Classification Scheme 2023. Collection method: clinical testing. Allele origin: germline.
Comment: The p.M152I variant (also known as c.456G>C), located in coding exon 1 of the GREM1 gene, results from a G to C substitution at nucleotide position 456. The methionine at codon 152 is replaced by isoleucine, an amino acid with highly similar properties. This amino acid position is conserved. In addition, this alteration is predicted to be tolerated by in silico analysis. Since supporting evidence is limited at this time, the clinical significance of this alteration remains unclear.

NM_013372.7(GREM1):c.456G>C (p.Met152Ile)

Gene: GREM1 (gremlin 1, DAN family BMP antagonist; plus strand). Cytogenetic location: 15q13.3.
Variant type: single nucleotide variant.
Coding change: c.456G>C on transcript NM_013372.7 (MANE Select); coding-DNA position 456, G replaced by C.
Protein change: p.Met152Ile; replaces methionine 152 with isoleucine.
Molecular consequence: missense variant.
Genome position (GRCh38, 1-based): chr15:32,731,146, G>C. VCF-style: chr15-32731146-G-C. GRCh37 (hg19) VCF-style: chr15-33023347-G-C.
Other names: c.246G>C, p.Met82Ile (NM_001191322.2); c.333G>C, p.Met111Ile (NM_001191323.2); c.456G>C, p.Met152Ile (NM_001368719.1); short protein forms M152I, M111I, M82I.
Identifiers: ClinVar variation 1741556 (VCV001741556.3), dbSNP rs2548708009, ClinGen allele CA391557994.